The following is an entry in ClinVar:

NM_001100.4(ACTA1):c.146T>G (p.Met49Arg)

Gene: ACTA1 (actin alpha 1, skeletal muscle; minus strand). Cytogenetic location: 1q42.13.
Variant type: single nucleotide variant.
Coding change: c.146T>G on transcript NM_001100.4 (MANE Select); coding-DNA position 146, T replaced by G.
Protein change: p.Met49Arg; replaces methionine 49 with arginine.
Molecular consequence: missense variant.
Genome position (GRCh38, 1-based): chr1:229,432,864, A>C on the plus strand (T>G on the coding strand, the complement: ACTA1 is on the minus strand). VCF-style: chr1-229432864-A-C. GRCh37 (hg19) VCF-style: chr1-229568611-A-C.
Other names: short protein forms M49R.
Identifiers: ClinVar variation 532772 (VCV000532772.9), dbSNP rs1553255506, ClinGen allele CA345151010.

ClinVar aggregate classification (germline): Pathogenic (1 of 4 stars; one submission).

Conditions:
Actin accumulation myopathy (CMYO2A). Also called: Myopathy, actin, congenital, with cores; Nemaline myopathy 3, with intranuclear rods; Nemaline myopathy type 3; Myopathy, actin, congenital, with excess of thin myofilaments; CONGENITAL MYOPATHY 2A, TYPICAL, AUTOSOMAL DOMINANT. Identifiers: Orphanet 98904, MedGen C3711389, MONDO:0008070, OMIM 161800.

Submission:

Labcorp Genetics (formerly Invitae), Labcorp
Classification: Pathogenic for Actin accumulation myopathy. Last evaluated: 2022-06-27. Review status: criteria provided, single submitter. Criteria: Invitae Variant Classification Sherloc (09022015). Collection method: clinical testing. Allele origin: germline.
Comment: This variant is not present in population databases (gnomAD no frequency). This sequence change replaces methionine, which is neutral and non-polar, with arginine, which is basic and polar, at codon 49 of the ACTA1 protein (p.Met49Arg). This missense change has been observed in individual(s) with clinical features of ACTA1-related conditions (Invitae). In at least one individual the variant was observed to be de novo. For these reasons, this variant has been classified as Pathogenic. This variant disrupts the p.Met49 amino acid residue in ACTA1. Other variant(s) that disrupt this residue have been determined to be pathogenic (PMID: 19562689, 20303757). This suggests that this residue is clinically significant, and that variants that disrupt this residue are likely to be disease-causing. Algorithms developed to predict the effect of sequence changes on RNA splicing suggest that this variant may create or strengthen a splice site. Advanced modeling of protein sequence and biophysical properties (such as structural, functional, and spatial information, amino acid conservation, physicochemical variation, residue mobility, and thermodynamic stability) performed at Invitae indicates that this missense variant is expected to disrupt ACTA1 protein function. ClinVar contains an entry for this variant (Variation ID: 532772).

Literature cited by the submitters: PubMed 19562689; PubMed 20303757.